The following is an entry in ClinVar:

NM_001371623.1(TCOF1):c.*1C>T

Genes: TCOF1 (treacle ribosome biogenesis factor 1; plus strand), LOC129994989 (ATAC-STARR-seq lymphoblastoid active region 23402; plus strand). Cytogenetic location: 5q32.
Variant type: single nucleotide variant.
Coding change: c.*1C>T on transcript NM_001371623.1 (MANE Select); 1 bases downstream of the stop codon, C replaced by T.
Molecular consequence: 3 prime UTR variant.
Genome position (GRCh38, 1-based): chr5:150,399,049, C>T. VCF-style: chr5-150399049-C-T. GRCh37 (hg19) VCF-style: chr5-149778612-C-T.
Other names: c.*1C>T (NM_000356.4, NM_001135243.2, NM_001135244.2 and 2 more transcripts).
Identifiers: ClinVar variation 1281712 (VCV001281712.3), dbSNP rs75420644, ClinGen allele CA3511785.

ClinVar aggregate classification (germline): Benign/Likely benign. Review status: criteria provided, multiple submitters, no conflicts (2 of 4 stars). 3 submissions from 3 submitters: Benign (2); Likely benign (1). Last evaluated 2024-10-23.

Allele frequency attached by ClinVar (database versions not stated): gnomAD exomes 0.00036 and 0.00076; ExAC 0.00096; gnomAD 0.00303 and 0.00326; 1000 Genomes Project 0.00319; TOPMed 0.00330; 1000 Genomes Project 30x 0.00344; ESP Exome Variant Server 0.00361.
gnomAD v4.1: 997 of 1,614,250 alleles (0.062%); highest among the groups gnomAD compares: African/African-American, 1.1%; 5 homozygotes.

Submissions (3):

Mayo Clinic Laboratories, Mayo Clinic
Classification: Benign. Last evaluated: 2024-10-23. Review status: criteria provided, single submitter. Criteria: ACMG Guidelines, 2015. Collection method: clinical testing. Allele origin: germline. Observed: 1 variant allele.
Comment: BS1, BS2, BP4, BP7

Blueprint Genetics
Classification: Likely benign. Last evaluated: 2024-09-17. Review status: criteria provided, single submitter. Criteria: ACMG Guidelines, 2015. Collection method: clinical testing. Allele origin: germline.

GeneDx
Classification: Benign. Last evaluated: 2020-02-04. Review status: criteria provided, single submitter. Criteria: GeneDx Variant Classification Process June 2021. Collection method: clinical testing. Allele origin: germline. Affected: yes.